The following is an entry in ClinVar:

ClinVar aggregate classification (germline): Benign/Likely benign. Review status: criteria provided, multiple submitters, no conflicts (2 of 4 stars). 2 submissions from 2 submitters: Benign (1); Likely benign (1). Last evaluated 2024-08-28.

Conditions:
Hereditary cancer-predisposing syndrome. Also called: Neoplastic Syndromes, Hereditary; Tumor predisposition; Hereditary Cancer Syndrome; Hereditary neoplastic syndrome. Identifiers: Orphanet 140162, MedGen C0027672, MeSH D009386, MONDO:0015356.
Familial cancer of breast. Also called: BREAST CANCER, FAMILIAL; Hereditary breast cancer; hereditary breast carcinoma. Identifiers: Orphanet 227535, MedGen C0346153, MONDO:0016419, OMIM 114480. Disease mechanism: loss of function.

Submissions (2):

Myriad Genetics, Inc.
Classification: Benign for Familial cancer of breast. Last evaluated: 2024-08-28. Review status: criteria provided, single submitter. Criteria: Myriad Autosomal Dominant, Autosomal Recessive and X-Linked Classification Criteria (2023). Collection method: clinical testing. Allele origin: unknown.
Comment: This variant is considered benign. This variant is a silent/synonymous amino acid change and it is not expected to impact splicing.

Ambry Genetics
Classification: Likely benign for Hereditary cancer-predisposing syndrome. Last evaluated: 2021-10-07. Review status: criteria provided, single submitter. Criteria: Ambry Variant Classification Scheme 2023. Collection method: clinical testing. Allele origin: germline.

NM_032043.3(BRIP1):c.1587A>G (p.Gly529=)

Gene: BRIP1 (BRCA1 interacting DNA helicase 1; minus strand). Cytogenetic location: 17q23.2.
Variant type: single nucleotide variant.
Coding change: c.1587A>G on transcript NM_032043.3 (MANE Select); coding-DNA position 1587, A replaced by G.
Protein change: p.Gly529=; no amino-acid change (glycine 529 retained).
Molecular consequence: synonymous variant.
Genome position (GRCh38, 1-based): chr17:61,784,311, T>C on the plus strand (A>G on the coding strand, the complement: BRIP1 is on the minus strand). VCF-style: chr17-61784311-T-C. GRCh37 (hg19) VCF-style: chr17-59861672-T-C.
Identifiers: ClinVar variation 1775815 (VCV001775815.3), dbSNP rs2145136606, ClinGen allele CA501150697.